The following is an entry in ClinVar:

NM_001384140.1(PCDH15):c.169G>A (p.Val57Met)

Gene: PCDH15 (protocadherin related 15; minus strand). Cytogenetic location: 10q21.1.
Variant type: single nucleotide variant.
Coding change: c.169G>A on transcript NM_001384140.1 (MANE Select); coding-DNA position 169, G replaced by A.
Protein change: p.Val57Met; replaces valine 57 with methionine.
Molecular consequence: missense variant.
Genome position (GRCh38, 1-based): chr10:54,378,931, C>T on the plus strand (G>A on the coding strand, the complement: PCDH15 is on the minus strand). VCF-style: chr10-54378931-C-T. GRCh37 (hg19) VCF-style: chr10-56138691-C-T.
Other names: c.184G>A, p.Val62Met (NM_001142763.2, NM_001142769.4, NM_001142771.2); c.169G>A, p.Val57Met (NM_001142764.2, NM_001142765.2, NM_001142766.2 and 8 more transcripts); c.103G>A, p.Val35Met (NM_001142768.2, NM_001142773.2, NM_001354404.2); short protein forms V57M, V62M, V35M.
Identifiers: ClinVar variation 667306 (VCV000667306.4), dbSNP rs1589122156, ClinGen allele CA376540727.

ClinVar aggregate classification (germline): Uncertain significance (1 of 4 stars; one submission).

Submission:

Laboratory for Molecular Medicine, Mass General Brigham Personalized Medicine
Classification: Uncertain significance. Last evaluated: 2018-11-28. Review status: criteria provided, single submitter. Criteria: LMM Criteria. Collection method: clinical testing. Allele origin: germline. Observed: 1 variant allele.
Comment: The p.Val57Met variant in PCDH15 has not been previously reported in individuals with hearing loss or Usher syndrome and was absent from large population studie s. Computational prediction tools and conservation analysis suggest that this va riant may impact the protein, though this information is not predictive enough t o determine pathogenicity. In summary, the clinical significance of this variant is uncertain. ACMG/AMP Criteria applied: PM2, PP3.